The following is an entry in ClinVar:

NM_018105.3(THAP1):c.241T>C (p.Phe81Leu)

Gene: THAP1 (THAP domain containing 1; minus strand). Cytogenetic location: 8p11.21.
Variant type: single nucleotide variant.
Coding change: c.241T>C on transcript NM_018105.3 (MANE Select); coding-DNA position 241, T replaced by C.
Protein change: p.Phe81Leu; replaces phenylalanine 81 with leucine.
Molecular consequence: missense variant. On other transcripts: intron variant (1).
Genome position (GRCh38, 1-based): chr8:42,839,212, A>G on the plus strand (T>C on the coding strand, the complement: THAP1 is on the minus strand). VCF-style: chr8-42839212-A-G. GRCh37 (hg19) VCF-style: chr8-42694355-A-G.
Other names: c.72-876T>C (NM_199003.2); short protein forms F81L.
Identifiers: ClinVar variation 1646 (VCV000001646.9), dbSNP rs118204013, ClinGen allele CA115121.
Genomic context (GRCh38, chr8:42,839,212, plus strand): 5'-AAAAAGCAACCCAATATTTTAAAATGCATATTACCTTGTCATGTGGCTCAGTACAAAGAA[A>G]TATTGTGGGCACAGCATTCTCTTTCAGTAACTTGTTGTTGCACTCTCTCTTAAAGCAGTC-3'
Protein context (NP_060575.1, residues 71-91): LLKENAVPTI[Phe81Leu]LCTEPHDKKE

ClinVar aggregate classification (germline): Conflicting classifications of pathogenicity. Review status: criteria provided, conflicting classifications (1 of 4 stars). 3 submissions from 3 submitters: Pathogenic (1); Uncertain significance (1). 1 of the submissions does not count toward it. Last evaluated 2026-02-26.

Conditions:
Torsion dystonia 6 (DYT6). Also called: DYT-THAP1. Identifiers: Orphanet 98806, MedGen C1414216, MONDO:0011264, OMIM 602629.

Allele frequency attached by ClinVar (database versions not stated): TOPMed 0.00002.

Submissions (3):

GeneDx
Classification: Pathogenic. Last evaluated: 2026-02-26. Review status: criteria provided, single submitter. Criteria: GeneDx Variant Classification Process June 2021. Collection method: clinical testing. Allele origin: germline.
Comment: Not observed at significant frequency in large population cohorts (gnomAD); In silico analysis supports that this missense variant has a deleterious effect on protein structure/function; This variant is associated with the following publications: (PMID: 22844099, 20865765, 19182804, 39929834, 32112337, 28697333, 34686877, 21752024, 19345147)

Labcorp Genetics (formerly Invitae), Labcorp
Classification: Uncertain significance for Torsion dystonia 6. Last evaluated: 2024-10-17. Review status: criteria provided, single submitter. Criteria: Invitae Variant Classification Sherloc (09022015). Collection method: clinical testing. Allele origin: germline.
Comment: This sequence change replaces phenylalanine, which is neutral and non-polar, with leucine, which is neutral and non-polar, at codon 81 of the THAP1 protein (p.Phe81Leu). This variant is not present in population databases (gnomAD no frequency). This missense change has been observed in individual(s) with autosomal dominant dystonia (PMID: 19182804). It has also been observed to segregate with disease in related individuals. ClinVar contains an entry for this variant (Variation ID: 1646). An algorithm developed to predict the effect of missense changes on protein structure and function (PolyPhen-2) suggests that this variant is likely to be disruptive. Experimental studies have shown that this missense change affects THAP1 function (PMID: 19182804, 19345147, 22844099, 28697333, 32112337, 34686877). In summary, the available evidence is currently insufficient to determine the role of this variant in disease. Therefore, it has been classified as a Variant of Uncertain Significance.

OMIM
Classification: Pathogenic for DYSTONIA 6, TORSION. Last evaluated: 2009-03-01. Review status: no assertion criteria provided. Collection method: literature only. Allele origin: germline. Not counted in ClinVar's aggregate classification.

Literature cited by the submitters: PubMed 19182804 (cited by Labcorp Genetics (formerly Invitae), Labcorp and OMIM); PubMed 19345147 (cited by Labcorp Genetics (formerly Invitae), Labcorp); PubMed 22844099 (cited by Labcorp Genetics (formerly Invitae), Labcorp); PubMed 28697333 (cited by Labcorp Genetics (formerly Invitae), Labcorp); PubMed 32112337 (cited by Labcorp Genetics (formerly Invitae), Labcorp); PubMed 34686877 (cited by Labcorp Genetics (formerly Invitae), Labcorp).